The following is an entry in ClinVar:

ClinVar aggregate classification (germline): Likely pathogenic. Review status: criteria provided, single submitter (1 of 4 stars). 2 submissions from 2 submitters: Likely pathogenic (1). 1 of the submissions does not count toward it. Last evaluated 2025-12-23.

Conditions:
Intellectual developmental disorder, autosomal recessive 34, with variant lissencephaly. Also called: Intellectual disability, autosomal recessive 34. Identifiers: Orphanet 88616, MedGen C3281044, MONDO:0013785, OMIM 614499.

Allele frequency attached by ClinVar (database versions not stated): ExAC 0.00001; gnomAD 0.00001; gnomAD exomes 0.00001; TOPMed 0.00001.
gnomAD v4.1: 12 of 1,613,620 alleles (0.00074%); highest among the groups gnomAD compares: African/African-American, 0.004%; no homozygotes.

Submissions (2):

Dasa
Classification: Likely pathogenic. Last evaluated: 2025-12-23. Review status: criteria provided, single submitter. Criteria: DASA Assertion Criteria. Collection method: clinical testing. Allele origin: germline.
Comment: NM_003805.5(CRADD):c.508C>T (p.Arg170Cys) is a missense variant that results in the substitution of arginine with cysteine. Functional evidence supports a deleterious effect on the gene or gene product (PMID: 27773430). This variant has been reported in individuals with related phenotype (PMID: 27773430). The variant is present at low frequency in population datasets. Based on the available data, this variant is classified as likely pathogenic.

OMIM
Classification: Pathogenic for INTELLECTUAL DEVELOPMENTAL DISORDER, AUTOSOMAL RECESSIVE 34, WITH VARIANT LISSENCEPHALY. Last evaluated: 2021-12-10. Review status: no assertion criteria provided. Collection method: literature only. Allele origin: germline. Not counted in ClinVar's aggregate classification.

Literature cited by the submitters: PubMed 27773430 (cited by Dasa and OMIM).

NM_003805.5(CRADD):c.508C>T (p.Arg170Cys)

Gene: CRADD (CARD and death domain containing adaptor protein; plus strand). Cytogenetic location: 12q22.
Variant type: single nucleotide variant.
Coding change: c.508C>T on transcript NM_003805.5 (MANE Select); coding-DNA position 508, C replaced by T.
Protein change: p.Arg170Cys; replaces arginine 170 with cysteine.
Molecular consequence: missense variant. On other transcripts: intron variant (1).
Genome position (GRCh38, 1-based): chr12:93,850,179, C>T. VCF-style: chr12-93850179-C-T. GRCh37 (hg19) VCF-style: chr12-94243955-C-T.
Other names: c.508C>T, p.Arg170Cys (NM_001320099.2); c.299-43871C>T (NM_001320100.2); short protein forms R170C.
Identifiers: ClinVar variation 372190 (VCV000372190.3), dbSNP rs749655461, ClinGen allele CA6720247.